The following is an entry in ClinVar:

NM_018082.6(POLR3B):c.3044T>C (p.Met1015Thr)

Genes: POLR3B (RNA polymerase III subunit B; plus strand), RFX4-AS1 (RFX4 antisense RNA 1; minus strand). Cytogenetic location: 12q23.3.
Variant type: single nucleotide variant.
Coding change: c.3044T>C on transcript NM_018082.6 (MANE Select); coding-DNA position 3044, T replaced by C.
Protein change: p.Met1015Thr; replaces methionine 1015 with threonine.
Molecular consequence: missense variant.
Genome position (GRCh38, 1-based): chr12:106,501,382, T>C. VCF-style: chr12-106501382-T-C. GRCh37 (hg19) VCF-style: chr12-106895160-T-C.
Other names: c.2870T>C, p.Met957Thr (NM_001160708.2); short protein forms M1015T, M957T.
Identifiers: ClinVar variation 5005030 (VCV005005030.2).

ClinVar aggregate classification (germline): Uncertain significance (1 of 4 stars; one submission).

Conditions:
Charcot-Marie-Tooth disease, demyelinating, IIA 1I. Also called: CHARCOT-MARIE-TOOTH NEUROPATHY, TYPE 1I; Charcot-Marie-Tooth disease, demyelinating, type 1I. Identifiers: MedGen C5676914, MONDO:0030677, OMIM 619742.
Leukodystrophy, hypomyelinating, 8, with or without oligodontia and/or hypogonadotropic hypogonadism. Also called: Hypomyelinating leukodystrophy 8 with or without oligodontia and-or hypogonadotropic hypogonadism; Endosteal sclerosis-cerebellar hypoplasia syndrome; LEUKODYSTROPHY, HYPOMYELINATING, 8, WITH HYPODONTIA AND HYPOGONADOTROPIC HYPOGONADISM. Identifiers: Orphanet 85186, Orphanet 88637, MedGen C3280644, MONDO:0013722, OMIM 614381.

Submission:

Juno Genomics, Hangzhou Juno Genomics, Inc
Classification: Uncertain significance for Charcot-Marie-Tooth disease, demyelinating, IIA 1I; Leukodystrophy, hypomyelinating, 8, with or without oligodontia and/or hypogonadotropic hypogonadism. Review status: criteria provided, single submitter. Criteria: ACMG Guidelines, 2015. Collection method: clinical testing. Allele origin: germline.
Comment: Missense variant in a gene that has a low rate of benign missense variation.;Multiple lines of computational evidence support a deleterious effect on the gene or gene product.;Absent from controls (or at extremely low frequency if recessive) in Genome Aggregation Database.